The following is an entry in ClinVar:

ClinVar aggregate classification (germline): Likely benign. Review status: criteria provided, multiple submitters, no conflicts (2 of 4 stars). 2 submissions from 2 submitters: Likely benign (2). Last evaluated 2025-12-17.

Conditions:
Majeed syndrome (MJDS). Also called: LPIN2-Related Majeed Syndrome; CHRONIC RECURRENT MULTIFOCAL OSTEOMYELITIS 1, WITH CONGENITAL DYSERYTHROPOIETIC ANEMIA, WITH OR WITHOUT NEUTROPHILIC DERMATOSIS. Identifiers: Orphanet 77297, MedGen C1864997, MONDO:0012316, OMIM 609628.

Allele frequency attached by ClinVar (database versions not stated): ExAC 0.00002; TOPMed 0.00005; 1000 Genomes Project 30x 0.00016; 1000 Genomes Project 0.00020.
gnomAD v4.1: 12 of 1,610,806 alleles (0.00074%); highest among the groups gnomAD compares: Admixed American, 0.013%; no homozygotes.

Submissions (2):

Labcorp Genetics (formerly Invitae), Labcorp
Classification: Likely benign for Majeed syndrome. Last evaluated: 2025-12-17. Review status: criteria provided, single submitter. Criteria: Invitae Variant Classification Sherloc (09022015). Collection method: clinical testing. Allele origin: germline.

GeneDx
Classification: Likely benign. Last evaluated: 2016-12-13. Review status: criteria provided, single submitter. Criteria: GeneDx Variant Classification (06012015). Collection method: clinical testing. Allele origin: germline. Affected: yes.
Comment: This variant is considered likely benign or benign based on one or more of the following criteria: it is a conservative change, it occurs at a poorly conserved position in the protein, it is predicted to be benign by multiple in silico algorithms, and/or has population frequency not consistent with disease.

NM_001375808.2(LPIN2):c.2327+9C>A

Gene: LPIN2 (lipin 2; minus strand). Cytogenetic location: 18p11.31.
Variant type: single nucleotide variant.
Coding change: c.2327+9C>A on transcript NM_001375808.2 (MANE Select); 9 bases into the intron after coding-DNA position 2327, C replaced by A.
Molecular consequence: intron variant.
Genome position (GRCh38, 1-based): chr18:2,922,038, G>T on the plus strand (C>A on the coding strand, the complement: LPIN2 is on the minus strand). VCF-style: chr18-2922038-G-T. GRCh37 (hg19) VCF-style: chr18-2922036-G-T.
Other names: c.2327+9C>A (NM_014646.2, NM_001375809.1).
Identifiers: ClinVar variation 391787 (VCV000391787.6), dbSNP rs536913334, ClinGen allele CA8872776.